The following is an entry in ClinVar:

NM_004329.3(BMPR1A):c.102G>C (p.Gly34=)

Gene: BMPR1A (bone morphogenetic protein receptor type 1A; plus strand). Cytogenetic location: 10q23.2.
Variant type: single nucleotide variant.
Coding change: c.102G>C on transcript NM_004329.3 (MANE Select); coding-DNA position 102, G replaced by C.
Protein change: p.Gly34=; no amino-acid change (glycine 34 retained).
Molecular consequence: synonymous variant. On other transcripts: non-coding transcript variant (3).
Genome position (GRCh38, 1-based): chr10:86,890,096, G>C. VCF-style: chr10-86890096-G-C. GRCh37 (hg19) VCF-style: chr10-88649853-G-C.
Other names: c.102G>C, p.Gly34= (NM_001406559.1, NM_001406560.1, NM_001406561.1 and 23 more transcripts); c.18G>C, p.Gly6= (NM_001406584.1, NM_001406585.1, NM_001406586.1 and 2 more transcripts).
Identifiers: ClinVar variation 3378801 (VCV003378801.1).

ClinVar aggregate classification (germline): Benign (1 of 4 stars; one submission).

Conditions:
Juvenile polyposis syndrome (JPS). Identifiers: Orphanet 2929, MedGen C0345893, MONDO:0017380, OMIM 174900.

Submission:

Myriad Genetics, Inc.
Classification: Benign for Juvenile polyposis syndrome. Last evaluated: 2024-07-31. Review status: criteria provided, single submitter. Criteria: Myriad Autosomal Dominant, Autosomal Recessive and X-Linked Classification Criteria (2023). Collection method: clinical testing. Allele origin: unknown.
Comment: This variant is considered benign. This variant is a silent/synonymous amino acid change and it is not expected to impact splicing.